The following is an entry in ClinVar:

NM_139318.5(KCNH5):c.1871C>G (p.Ala624Gly)

Gene: KCNH5 (potassium voltage-gated channel subfamily H member 5; minus strand). Cytogenetic location: 14q23.2.
Variant type: single nucleotide variant.
Coding change: c.1871C>G on transcript NM_139318.5 (MANE Select); coding-DNA position 1871, C replaced by G.
Protein change: p.Ala624Gly; replaces alanine 624 with glycine.
Molecular consequence: missense variant. On other transcripts: intron variant (1).
Genome position (GRCh38, 1-based): chr14:62,779,876, G>C on the plus strand (C>G on the coding strand, the complement: KCNH5 is on the minus strand). VCF-style: chr14-62779876-G-C. GRCh37 (hg19) VCF-style: chr14-63246594-G-C.
Other names: c.1871C>G (NM_139318.3); c.1822+22453C>G (NM_172375.3); short protein forms A624G.
Identifiers: ClinVar variation 1017242 (VCV001017242.10), dbSNP rs762614737, ClinGen allele CA7217389.

ClinVar aggregate classification (germline): Uncertain significance. Review status: criteria provided, multiple submitters, no conflicts (2 of 4 stars). 2 submissions from 2 submitters: Uncertain significance (2). Last evaluated 2025-01-30.

Conditions:
Early-infantile DEE. Also called: Ohtahara syndrome; Early infantile epileptic encephalopathy with suppression bursts; Early infantile epileptic encephalopathy. Identifiers: Orphanet 1934, MedGen C0393706, MONDO:0800491.
Inborn genetic diseases. Identifiers: MedGen C0950123, MeSH D030342.

gnomAD v4.1: 15 of 1,613,744 alleles (0.00093%); highest among the groups gnomAD compares: Admixed American, 0.015%; no homozygotes.

Submissions (2):

Labcorp Genetics (formerly Invitae), Labcorp
Classification: Uncertain significance for Early-infantile DEE. Last evaluated: 2025-01-30. Review status: criteria provided, single submitter. Criteria: Invitae Variant Classification Sherloc (09022015). Collection method: clinical testing. Allele origin: germline.
Comment: This sequence change replaces alanine, which is neutral and non-polar, with glycine, which is neutral and non-polar, at codon 624 of the KCNH5 protein (p.Ala624Gly). This variant is present in population databases (rs762614737, gnomAD 0.01%). This variant has not been reported in the literature in individuals affected with KCNH5-related conditions. ClinVar contains an entry for this variant (Variation ID: 1017242). Invitae Evidence Modeling of protein sequence and biophysical properties (such as structural, functional, and spatial information, amino acid conservation, physicochemical variation, residue mobility, and thermodynamic stability) indicates that this missense variant is not expected to disrupt KCNH5 protein function with a negative predictive value of 95%. In summary, the available evidence is currently insufficient to determine the role of this variant in disease. Therefore, it has been classified as a Variant of Uncertain Significance.

Ambry Genetics
Classification: Uncertain significance for Inborn genetic diseases. Last evaluated: 2021-08-10. Review status: criteria provided, single submitter. Criteria: Ambry Variant Classification Scheme 2023. Collection method: clinical testing. Allele origin: germline.